The following is an entry in ClinVar:

NM_004046.6(ATP5F1A):c.828G>A (p.Ser276=)

Gene: ATP5F1A (ATP synthase F1 subunit alpha; minus strand). Cytogenetic location: 18q21.1.
Variant type: single nucleotide variant.
Coding change: c.828G>A on transcript NM_004046.6 (MANE Select); coding-DNA position 828, G replaced by A.
Protein change: p.Ser276=; no amino-acid change (serine 276 retained).
Molecular consequence: synonymous variant.
Genome position (GRCh38, 1-based): chr18:46,087,464, C>T on the plus strand (G>A on the coding strand, the complement: ATP5F1A is on the minus strand). VCF-style: chr18-46087464-C-T. GRCh37 (hg19) VCF-style: chr18-43667430-C-T.
Other names: p.Ser276=; c.678G>A, p.Ser226= (NM_001001935.3, NM_001257335.2); c.828G>A, p.Ser276= (NM_001001937.2); c.762G>A, p.Ser254= (NM_001257334.2).
Identifiers: ClinVar variation 382583 (VCV000382583.10), dbSNP rs758599519, ClinGen allele CA8950704.
Genomic context (GRCh38, chr18:46,087,464, plus strand): 5'-CATGGAACAGCCAGAGTAAGGAGCCAGGTACTGAAGTGGGGCAGCATCCGAGGCCGTAGC[C>T]GACACCACAATGGTGTACTTCATGGCATCTGAGAAAATATATTTTACAATTTTATCAATA-3'
Protein context (NP_004037.1, residues 266-286): ADAMKYTIVV[Ser276=]ATASDAAPLQ

ClinVar aggregate classification (germline): Likely benign. Review status: criteria provided, multiple submitters, no conflicts (2 of 4 stars). 4 submissions from 4 submitters: Likely benign (4). Last evaluated 2026-01-18.

Allele frequency attached by ClinVar (database versions not stated): ExAC 0.00005; TOPMed 0.00012; gnomAD 0.00013; gnomAD exomes 0.00013 and 0.00014.
gnomAD v4.1: 230 of 1,614,088 alleles (0.014%); highest among the groups gnomAD compares: Middle Eastern, 0.083%; 1 homozygote.

Submissions (4):

Labcorp Genetics (formerly Invitae), Labcorp
Classification: Likely benign. Last evaluated: 2026-01-18. Review status: criteria provided, single submitter. Criteria: Invitae Variant Classification Sherloc (09022015). Collection method: clinical testing. Allele origin: germline.

Mayo Clinic Laboratories, Mayo Clinic
Classification: Likely benign. Last evaluated: 2025-05-23. Review status: criteria provided, single submitter. Criteria: ACMG Guidelines, 2015. Collection method: clinical testing. Allele origin: germline. Observed: 1 variant allele.
Comment: BP4, BP7

GeneDx
Classification: Likely benign. Last evaluated: 2021-06-13. Review status: criteria provided, single submitter. Criteria: GeneDx Variant Classification Process June 2021. Collection method: clinical testing. Allele origin: germline. Affected: yes.

Breakthrough Genomics
Classification: Likely benign. Review status: criteria provided, single submitter. Criteria: ACMG Guidelines, 2015. Collection method: not provided. Allele origin: germline. Inheritance: Autosomal recessive inheritance. Affected: yes.